The following is an entry in ClinVar:

NM_000191.3(HMGCL):c.225C>G (p.Ser75Arg)

Gene: HMGCL (3-hydroxy-3-methylglutaryl-CoA lyase; minus strand). Cytogenetic location: 1p36.11.
Variant type: single nucleotide variant.
Coding change: c.225C>G on transcript NM_000191.3 (MANE Select); coding-DNA position 225, C replaced by G.
Protein change: p.Ser75Arg; replaces serine 75 with arginine.
Molecular consequence: missense variant.
Genome position (GRCh38, 1-based): chr1:23,817,503, G>C on the plus strand (C>G on the coding strand, the complement: HMGCL is on the minus strand). VCF-style: chr1-23817503-G-C. GRCh37 (hg19) VCF-style: chr1-24143993-G-C.
Other names: c.225C>G, p.Ser75Arg (NM_001166059.2); short protein forms S75R.
Identifiers: ClinVar variation 2577237 (VCV002577237.5), dbSNP rs1357942068, ClinGen allele CA339029058.

ClinVar aggregate classification (germline): Likely pathogenic. Review status: criteria provided, multiple submitters, no conflicts (2 of 4 stars). 2 submissions from 2 submitters: Likely pathogenic (2). Last evaluated 2024-05-07.

Conditions:
Deficiency of hydroxymethylglutaryl-CoA lyase (HMGCLD). Also called: Defect in leucine metabolism; 3-hydroxy-3-methylglutaric aciduria; HMG-CoA LYASE DEFICIENCY; HMGCL DEFICIENCY; HYDROXYMETHYLGLUTARIC ACIDURIA. Identifiers: Orphanet 20, MedGen C1533587, MONDO:0009520, OMIM 246450.

Allele frequency attached by ClinVar (database versions not stated): gnomAD 0.00001.
gnomAD v4.1: 7 of 1,612,768 alleles (0.00043%); highest among the groups gnomAD compares: African/African-American, 0.0013%; no homozygotes.

Submissions (2):

Fulgent Genetics
Classification: Likely pathogenic for Deficiency of hydroxymethylglutaryl-CoA lyase. Last evaluated: 2024-05-07. Review status: criteria provided, single submitter. Criteria: ACMG Guidelines, 2015. Collection method: clinical testing. Allele origin: germline.

Women's Health and Genetics/Laboratory Corporation of America, LabCorp
Classification: Likely pathogenic for Deficiency of hydroxymethylglutaryl-CoA lyase. Last evaluated: 2023-07-28. Review status: criteria provided, single submitter. Criteria: LabCorp Variant Classification Summary - May 2015. Collection method: clinical testing. Allele origin: germline.
Comment: Variant summary: HMGCL c.225C>G (p.Ser75Arg) results in a non-conservative amino acid change located in the Pyruvate carboxyltransferase domain (IPR000891) of the encoded protein sequence and is thought to occlude the substrate cavity (Casals_2003). Five of five in-silico tools predict a damaging effect of the variant on protein function. The variant was absent in 251472 control chromosomes. c.225C>G has been reported in the literature as a homozygous genotype in at-least one German individual affected with 3-hydroxy-3-methylglutaric aciduria (HMG-CoA Lyase Deficiency) (Example, Casals_2003). These data indicate that the variant may be associated with disease. At least one publication reports experimental evidence evaluating an impact on protein function (Casals_2003). The most pronounced variant effect results in abolished 3-hydroxy-3-methylglutaryl-CoA (HMG-CoA) lyase activity in-vitro. The following publications have been ascertained in the context of this evaluation (PMID: 12746442, 32059735, 19177531). No submitters have cited clinical-significance assessments for this variant to ClinVar after 2014. Based on the evidence outlined above, the variant was classified as likely pathogenic.

Literature cited by the submitters: PubMed 19177531 (cited by Women's Health and Genetics/Laboratory Corporation of America, LabCorp); PubMed 32059735 (cited by Women's Health and Genetics/Laboratory Corporation of America, LabCorp); PubMed 12746442 (cited by Women's Health and Genetics/Laboratory Corporation of America, LabCorp).